The following is an entry in ClinVar:

ClinVar aggregate classification (germline): Uncertain significance (1 of 4 stars; one submission).

Conditions:
GM3 synthase deficiency (SPDRS). Also called: SALT AND PEPPER DEVELOPMENTAL REGRESSION SYNDROME; SALT AND PEPPER MENTAL RETARDATION SYNDROME; AMISH INFANTILE EPILEPSY SYNDROME. Identifiers: Orphanet 171714, Orphanet 370933, MedGen C1836824, MONDO:0018274, OMIM 609056.

Submission:

Labcorp Genetics (formerly Invitae), Labcorp
Classification: Uncertain significance for GM3 synthase deficiency. Last evaluated: 2022-06-27. Review status: criteria provided, single submitter. Criteria: Invitae Variant Classification Sherloc (09022015). Collection method: clinical testing. Allele origin: germline.
Comment: This sequence change falls in intron 1 of the ST3GAL5 gene. It does not directly change the encoded amino acid sequence of the ST3GAL5 protein. It affects a nucleotide within the consensus splice site. This variant is not present in population databases (gnomAD no frequency). This variant has not been reported in the literature in individuals affected with ST3GAL5-related conditions. Variants that disrupt the consensus splice site are a relatively common cause of aberrant splicing (PMID: 17576681, 9536098). Algorithms developed to predict the effect of sequence changes on RNA splicing suggest that this variant is not likely to affect RNA splicing. In summary, the available evidence is currently insufficient to determine the role of this variant in disease. Therefore, it has been classified as a Variant of Uncertain Significance.

Literature cited by the submitters: PubMed 17576681; PubMed 9536098.

NM_003896.4(ST3GAL5):c.82+4C>T

Genes: ST3GAL5 (ST3 beta-galactoside alpha-2,3-sialyltransferase 5; minus strand), LOC129934236 (ATAC-STARR-seq lymphoblastoid silent region 11709; plus strand). Cytogenetic location: 2p11.2.
Variant type: single nucleotide variant.
Coding change: c.82+4C>T on transcript NM_003896.4 (MANE Select); 4 bases into the intron after coding-DNA position 82, C replaced by T.
Molecular consequence: intron variant.
Genome position (GRCh38, 1-based): chr2:85,888,820, G>A on the plus strand (C>T on the coding strand, the complement: ST3GAL5 is on the minus strand). VCF-style: chr2-85888820-G-A. GRCh37 (hg19) VCF-style: chr2-86115943-G-A.
Other names: c.-881+4C>T (NM_001354223.2); c.-134+4C>T (NM_001354229.2); c.82+4C>T (NM_001363847.1); c.-190+4C>T (NM_001354227.2); c.-480+4C>T (NM_001354226.2); c.-920+4C>T (NM_001354233.2); c.-543+4C>T (NM_001354224.2).
Identifiers: ClinVar variation 1497504 (VCV001497504.3), dbSNP rs2104281726, ClinGen allele CA2573135964.